The following is an entry in ClinVar:

NM_020717.5(SHROOM4):c.239C>T (p.Ser80Phe)

Gene: SHROOM4 (shroom family member 4; minus strand). Cytogenetic location: Xp11.22.
Variant type: single nucleotide variant.
Coding change: c.239C>T on transcript NM_020717.5 (MANE Select); coding-DNA position 239, C replaced by T.
Protein change: p.Ser80Phe; replaces serine 80 with phenylalanine.
Molecular consequence: missense variant. On other transcripts: non-coding transcript variant (2).
Genome position (GRCh38, 1-based): chrX:50,695,816, G>A on the plus strand (C>T on the coding strand, the complement: SHROOM4 is on the minus strand). VCF-style: chrX-50695816-G-A. GRCh37 (hg19) VCF-style: chrX-50438816-G-A.
Other names: short protein forms S80F.
Identifiers: ClinVar variation 1698668 (VCV001698668.1), dbSNP rs2147456128, ClinGen allele CA413195661.

ClinVar aggregate classification (germline): Uncertain significance (1 of 4 stars; one submission).

Submission:

Women's Health and Genetics/Laboratory Corporation of America, LabCorp
Classification: Uncertain significance. Last evaluated: 2022-06-02. Review status: criteria provided, single submitter. Criteria: LabCorp Variant Classification Summary - May 2015. Collection method: clinical testing. Allele origin: germline.
Comment: Variant summary: SHROOM4 c.239C>T (p.Ser80Phe) results in a non-conservative amino acid change located in the PDZ domain (IPR001478) of the encoded protein sequence. Four of five in-silico tools predict a damaging effect of the variant on protein function. The variant was absent in 183104 control chromosomes (gnomAD). The available data on variant occurrences in the general population are insufficient to allow any conclusion about variant significance. To our knowledge, no occurrence of c.239C>T in individuals affected with X-Linked Intellectual Disability, Stocco Dos Santos Type and no experimental evidence demonstrating its impact on protein function have been reported. No clinical diagnostic laboratories have submitted clinical-significance assessments for this variant to ClinVar after 2014. Based on the evidence outlined above, the variant was classified as uncertain significance.